The following is an entry in ClinVar:

ClinVar aggregate classification (germline): Uncertain significance (1 of 4 stars; one submission).

Submission:

GeneDx
Classification: Uncertain significance. Last evaluated: 2025-04-22. Review status: criteria provided, single submitter. Criteria: GeneDx Variant Classification Process June 2021. Collection method: clinical testing. Allele origin: germline. Affected: yes.
Comment: Not observed at significant frequency in large population cohorts (gnomAD); In silico analysis supports that this missense variant has a deleterious effect on protein structure/function; Has not been previously published as pathogenic or benign to our knowledge

NM_005862.3(STAG1):c.338G>T (p.Arg113Met)

Gene: STAG1 (STAG1 cohesin complex component; minus strand). Cytogenetic location: 3q22.3.
Variant type: single nucleotide variant.
Coding change: c.338G>T on transcript NM_005862.3 (MANE Select); coding-DNA position 338, G replaced by T.
Protein change: p.Arg113Met; replaces arginine 113 with methionine.
Molecular consequence: missense variant.
Genome position (GRCh38, 1-based): chr3:136,568,821, C>A on the plus strand (G>T on the coding strand, the complement: STAG1 is on the minus strand). VCF-style: chr3-136568821-C-A. GRCh37 (hg19) VCF-style: chr3-136287663-C-A.
Other names: short protein forms R113M.
Identifiers: ClinVar variation 4527554 (VCV004527554.1).